The following is an entry in ClinVar:

NM_001953.5(TYMP):c.1324C>T (p.Arg442Trp)

Genes: SCO2 (synthesis of cytochrome C oxidase 2; minus strand), TYMP (thymidine phosphorylase; minus strand), LOC130067862 (ATAC-STARR-seq lymphoblastoid silent region 13986; plus strand). Cytogenetic location: 22q13.33.
Variant type: single nucleotide variant.
Coding change: c.1324C>T on transcript NM_001953.5 (MANE Select); coding-DNA position 1324, C replaced by T.
Protein change: p.Arg442Trp; replaces arginine 442 with tryptophan.
Molecular consequence: missense variant. On other transcripts: intron variant (2).
Genome position (GRCh38, 1-based): chr22:50,525,895, G>A on the plus strand (C>T on the coding strand, the complement: TYMP is on the minus strand). VCF-style: chr22-50525895-G-A. GRCh37 (hg19) VCF-style: chr22-50964324-G-A.
Other names: c.1324C>T, p.Arg442Trp (NM_001113755.3, NM_001113756.3, NM_001257988.1); c.1339C>T, p.Arg447Trp (NM_001257989.1); c.-14+351C>T (NM_001169109.2); c.-14+106C>T (NM_001169110.1); short protein forms R442W, R447W.
Identifiers: ClinVar variation 2418087 (VCV002418087.41), dbSNP rs2069336743, ClinGen allele CA412196452.

ClinVar aggregate classification (germline): Uncertain significance (1 of 4 stars; one submission).

Allele frequency attached by ClinVar (database versions not stated): gnomAD exomes below 0.00001; TOPMed 0.00001.
gnomAD v4.1: 5 of 1,563,988 alleles (0.00032%); highest among the groups gnomAD compares: Non-Finnish European, 0.00043%; no homozygotes.

Submission:

Labcorp Genetics (formerly Invitae), Labcorp
Classification: Uncertain significance. Last evaluated: 2024-09-23. Review status: criteria provided, single submitter. Criteria: Invitae Variant Classification Sherloc (09022015). Collection method: clinical testing. Allele origin: germline.
Comment: This sequence change replaces arginine, which is basic and polar, with tryptophan, which is neutral and slightly polar, at codon 442 of the TYMP protein (p.Arg442Trp). This variant is not present in population databases (gnomAD no frequency). This variant has not been reported in the literature in individuals affected with TYMP-related conditions. ClinVar contains an entry for this variant (Variation ID: 2418087). Invitae Evidence Modeling of protein sequence and biophysical properties (such as structural, functional, and spatial information, amino acid conservation, physicochemical variation, residue mobility, and thermodynamic stability) indicates that this missense variant is not expected to disrupt TYMP protein function with a negative predictive value of 95%. In summary, the available evidence is currently insufficient to determine the role of this variant in disease. Therefore, it has been classified as a Variant of Uncertain Significance.